The following is an entry in ClinVar:

ClinVar aggregate classification (germline): Likely benign (0 of 4 stars; one submission).

Conditions:
ABCA7-related disorder. Also called: ABCA7-related condition.

Allele frequency attached by ClinVar (database versions not stated): ExAC 0.00039; 1000 Genomes Project 0.00060; 1000 Genomes Project 30x 0.00062; ESP Exome Variant Server 0.00075.
gnomAD v4.1: 285 of 1,564,774 alleles (0.018%); highest among the groups gnomAD compares: African/African-American, 0.29%; no homozygotes.

Submissions (2):

PreventionGenetics, part of Exact Sciences
Classification: Likely benign for ABCA7-related condition. Last evaluated: 2019-12-03. Review status: no assertion criteria provided. Collection method: clinical testing. Allele origin: germline.
Comment: This variant is classified as likely benign based on ACMG/AMP sequence variant interpretation guidelines (Richards et al. 2015 PMID: 25741868, with internal and published modifications).

Dr. Peter K. Rogan Lab, Western University
No classification provided (evidence only). Condition: Gastric cancer. Review status: no classification provided. Collection method: in vitro. Allele origin: not applicable. Functional consequence: retained intron. Not counted in ClinVar's aggregate classification.

NM_019112.4(ABCA7):c.2067G>A (p.Ala689=)

Gene: ABCA7 (ATP binding cassette subfamily A member 7; plus strand). Cytogenetic location: 19p13.3.
Variant type: single nucleotide variant.
Coding change: c.2067G>A on transcript NM_019112.4 (MANE Select); coding-DNA position 2067, G replaced by A.
Protein change: p.Ala689=; no amino-acid change (alanine 689 retained).
Molecular consequence: synonymous variant.
Genome position (GRCh38, 1-based): chr19:1,047,378, G>A. VCF-style: chr19-1047378-G-A. GRCh37 (hg19) VCF-style: chr19-1047377-G-A.
Other names: NC_000019.9:g.1047377G>A.
Identifiers: ClinVar variation 3043653 (VCV003043653.3), dbSNP rs200288020, ClinGen allele CA9033282.